The following is an entry in ClinVar:

ClinVar aggregate classification (germline): Likely benign (1 of 4 stars; one submission).

Submission:

CeGaT Center for Human Genetics Tuebingen
Classification: Likely benign. Last evaluated: 2026-04-01. Review status: criteria provided, single submitter. Criteria: CeGaT Center For Human Genetics Tuebingen Variant Classification Criteria Version 2. Collection method: clinical testing. Allele origin: germline. Affected: yes. Observed: 3 variant alleles.
Comment: CIC: BP4, BP7

NM_001386298.1(CIC):c.729T>C (p.Tyr243=)

Gene: CIC (capicua transcriptional repressor; plus strand). Cytogenetic location: 19q13.2.
Variant type: single nucleotide variant.
Coding change: c.729T>C on transcript NM_001386298.1 (MANE Select); coding-DNA position 729, T replaced by C.
Protein change: p.Tyr243=; no amino-acid change (tyrosine 243 retained).
Molecular consequence: synonymous variant.
Genome position (GRCh38, 1-based): chr19:42,272,512, T>C. VCF-style: chr19-42272512-T-C. GRCh37 (hg19) VCF-style: chr19-42776664-T-C.
Other names: c.729T>C, p.Tyr243= (NM_001304815.2, NM_001379480.1, NM_001379482.1).
Identifiers: ClinVar variation 3257665 (VCV003257665.17).
Genomic context (GRCh38, chr19:42,272,512, plus strand): 5'-GGTGCGCCGAAGCCAGGACCTGGGCGTGCAGTTCCCTGGTGACCGAGCCCTGACTTTCTA[T>C]GAGGGGGTGCCAGGCGCTGGTGTGGATGTAGTTTTGGATGCCACACCCCCACCAGGTGCC-3'
Protein context (NP_001373227.1, residues 233-253): QFPGDRALTF[Tyr243=]EGVPGAGVDV